The following is an entry in ClinVar:

ClinVar aggregate classification (germline): Uncertain significance (1 of 4 stars; one submission).

Conditions:
Landau-Kleffner syndrome (FESD). Also called: EPILEPSY, FOCAL, WITH SPEECH DISORDER AND WITH OR WITHOUT MENTAL RETARDATION; APHASIA, ACQUIRED, WITH EPILEPSY. Identifiers: Orphanet 1945, Orphanet 725, Orphanet 98818, MedGen C0282512, MONDO:0009509, OMIM 245570.

gnomAD v4.1: 2 of 1,614,016 alleles (0.00012%); no homozygotes.

Submission:

Labcorp Genetics (formerly Invitae), Labcorp
Classification: Uncertain significance for Landau-Kleffner syndrome. Last evaluated: 2024-02-16. Review status: criteria provided, single submitter. Criteria: Invitae Variant Classification Sherloc (09022015). Collection method: clinical testing. Allele origin: germline.
Comment: This sequence change replaces lysine, which is basic and polar, with asparagine, which is neutral and polar, at codon 1455 of the GRIN2A protein (p.Lys1455Asn). This variant is not present in population databases (gnomAD no frequency). This variant has not been reported in the literature in individuals affected with GRIN2A-related conditions. Advanced modeling of protein sequence and biophysical properties (such as structural, functional, and spatial information, amino acid conservation, physicochemical variation, residue mobility, and thermodynamic stability) performed at Invitae indicates that this missense variant is not expected to disrupt GRIN2A protein function with a negative predictive value of 95%. In summary, the available evidence is currently insufficient to determine the role of this variant in disease. Therefore, it has been classified as a Variant of Uncertain Significance.

NM_001134407.3(GRIN2A):c.4365G>T (p.Lys1455Asn)

Gene: GRIN2A (glutamate ionotropic receptor NMDA type subunit 2A; minus strand). Cytogenetic location: 16p13.2.
Variant type: single nucleotide variant.
Coding change: c.4365G>T on transcript NM_001134407.3 (MANE Select); coding-DNA position 4365, G replaced by T.
Protein change: p.Lys1455Asn; replaces lysine 1455 with asparagine.
Molecular consequence: missense variant. On other transcripts: 3 prime UTR variant (1).
Genome position (GRCh38, 1-based): chr16:9,763,179, C>A on the plus strand (G>T on the coding strand, the complement: GRIN2A is on the minus strand). VCF-style: chr16-9763179-C-A. GRCh37 (hg19) VCF-style: chr16-9857036-C-A.
Other names: c.4365G>T, p.Lys1455Asn (NM_000833.5); c.*176G>T (NM_001134408.2); short protein forms K1455N.
Identifiers: ClinVar variation 3681747 (VCV003681747.2).
Genomic context (GRCh38, chr16:9,763,179, plus strand): 5'-CCCTATAGATAAAACATTAATGGAAGATTTTTAAACATCAGATTCGATACTAGGCATTTT[C>A]TTGTACACGCGTCTATTGCTGCAGGAATTTAAAACCCTGGGGGTAGAGTACATATTATTC-3'
Protein context (NP_001127879.1, residues 1445-1464): LNSCSNRRVY[Lys1455Asn]KMPSIESDV